The following is an entry in ClinVar:

NM_030957.4(ADAMTS10):c.2035-4G>A

Gene: ADAMTS10 (ADAM metallopeptidase with thrombospondin type 1 motif 10; minus strand). Cytogenetic location: 19p13.2.
Variant type: single nucleotide variant.
Coding change: c.2035-4G>A on transcript NM_030957.4 (MANE Select); 4 bases into the intron before coding-DNA position 2035, G replaced by A.
Molecular consequence: intron variant.
Genome position (GRCh38, 1-based): chr19:8,589,369, C>T on the plus strand (G>A on the coding strand, the complement: ADAMTS10 is on the minus strand). VCF-style: chr19-8589369-C-T. GRCh37 (hg19) VCF-style: chr19-8654253-C-T.
Other names: c.496-4G>A (NM_001282352.2); c.2035-4G>A (NM_030957.3).
Identifiers: ClinVar variation 1939165 (VCV001939165.8), dbSNP rs200668290, ClinGen allele CA9160246.
Genomic context (GRCh38, chr19:8,589,369, plus strand): 5'-CACTCGGCACTTGTCCTCCCGCAGGTCGGAGCCCAGGACTCGGTCGCAGCCCACGTGCTG[C>T]GTGGAGAAGGCGTGAGTGAGGCGACCCCCTAACCCACCCCCGCTCCCCATCCCCTCTCCA-3'

ClinVar aggregate classification (germline): Likely benign. Review status: criteria provided, multiple submitters, no conflicts (2 of 4 stars). 3 submissions from 3 submitters: Likely benign (2). 1 of the submissions does not count toward it. Last evaluated 2025-12-19.

Conditions:
ADAMTS10-related disorder. Also called: ADAMTS10-related condition.

Allele frequency attached by ClinVar (database versions not stated): TOPMed 0.00001; ExAC 0.00002.
gnomAD v4.1: 15 of 1,612,034 alleles (0.00093%); highest among the groups gnomAD compares: Admixed American, 0.0033%; no homozygotes.

Submissions (3):

Labcorp Genetics (formerly Invitae), Labcorp
Classification: Likely benign. Last evaluated: 2025-12-19. Review status: criteria provided, single submitter. Criteria: Invitae Variant Classification Sherloc (09022015). Collection method: clinical testing. Allele origin: germline.

Blueprint Genetics
Classification: Likely benign. Last evaluated: 2024-11-15. Review status: criteria provided, single submitter. Criteria: ACMG Guidelines, 2015. Collection method: clinical testing. Allele origin: germline.

PreventionGenetics, part of Exact Sciences
Classification: Likely benign for ADAMTS10-related condition. Last evaluated: 2019-10-29. Review status: no assertion criteria provided. Collection method: clinical testing. Allele origin: germline. Not counted in ClinVar's aggregate classification.
Comment: This variant is classified as likely benign based on ACMG/AMP sequence variant interpretation guidelines (Richards et al. 2015 PMID: 25741868, with internal and published modifications).